The following is an entry in ClinVar:

ClinVar aggregate classification (germline): Uncertain significance. Review status: criteria provided, multiple submitters, no conflicts (2 of 4 stars). 3 submissions from 3 submitters: Uncertain significance (3). Last evaluated 2026-10-01.

Conditions:
Rothmund-Thomson syndrome type 2 (RTS2). Identifiers: Orphanet 221016, MedGen C5203410, MONDO:0016369, OMIM 268400.
Baller-Gerold syndrome (BGS). Also called: CRANIOSYNOSTOSIS WITH RADIAL DEFECTS. Identifiers: Orphanet 1225, MedGen C0265308, MONDO:0009039, OMIM 218600.

Allele frequency attached by ClinVar (database versions not stated): ExAC 0.00004; gnomAD exomes 0.00005; TOPMed 0.00006; gnomAD 0.00007.
gnomAD v4.1: 38 of 1,612,434 alleles (0.0024%); highest among the groups gnomAD compares: African/African-American, 0.023%; no homozygotes.

Submissions (3):

St. Jude Molecular Pathology, St. Jude Children's Research Hospital
Classification: Uncertain significance for Rothmund-Thomson syndrome type 2. Last evaluated: 2026-10-01. Review status: criteria provided, single submitter. Criteria: St. Jude Assertion Criteria 2020. Collection method: clinical testing. Allele origin: germline.
Comment: The RECQL4 c.3419G>A p.(Arg1140His) missense change has a maximum subpopulation frequency of 0.03% in gnomAD v2.1.1. In silico tools are inconclusive about a pathogenic or benign effect of this variant on protein function, and to our knowledge functional studies have not been performed. To our knowledge, this variant has not been reported in individuals with RECQL4-associated conditions. In summary, the evidence currently available is insufficient to determine the clinical significance of this variant. It has therefore been classified as of uncertain significance.

GeneDx
Classification: Uncertain significance. Last evaluated: 2026-01-30. Review status: criteria provided, single submitter. Criteria: GeneDx Variant Classification Process June 2021. Collection method: clinical testing. Allele origin: germline.
Comment: In silico analysis supports that this missense variant has a deleterious effect on protein structure/function; Has not been previously published as pathogenic or benign to our knowledge; This variant is associated with the following publications: (PMID: 41317405)

Labcorp Genetics (formerly Invitae), Labcorp
Classification: Uncertain significance for Baller-Gerold syndrome. Last evaluated: 2026-01-05. Review status: criteria provided, single submitter. Criteria: Invitae Variant Classification Sherloc (09022015). Collection method: clinical testing. Allele origin: germline.
Comment: This sequence change replaces arginine, which is basic and polar, with histidine, which is basic and polar, at codon 1140 of the RECQL4 protein (p.Arg1140His). This variant is present in population databases (rs767822615, gnomAD 0.03%). This variant has not been reported in the literature in individuals affected with RECQL4-related conditions. ClinVar contains an entry for this variant (Variation ID: 528911). Invitae Evidence Modeling of protein sequence and biophysical properties (such as structural, functional, and spatial information, amino acid conservation, physicochemical variation, residue mobility, and thermodynamic stability) indicates that this missense variant is expected to disrupt RECQL4 protein function with a positive predictive value of 80%. In summary, the available evidence is currently insufficient to determine the role of this variant in disease. Therefore, it has been classified as a Variant of Uncertain Significance.

NM_004260.4(RECQL4):c.3419G>A (p.Arg1140His)

Gene: RECQL4 (RecQ like helicase 4; minus strand). Cytogenetic location: 8q24.3.
Variant type: single nucleotide variant.
Coding change: c.3419G>A on transcript NM_004260.4 (MANE Select); coding-DNA position 3419, G replaced by A.
Protein change: p.Arg1140His; replaces arginine 1140 with histidine.
Molecular consequence: missense variant.
Genome position (GRCh38, 1-based): chr8:144,511,764, C>T on the plus strand (G>A on the coding strand, the complement: RECQL4 is on the minus strand). VCF-style: chr8-144511764-C-T. GRCh37 (hg19) VCF-style: chr8-145737147-C-T.
Other names: short protein forms R1140H.
Identifiers: ClinVar variation 528911 (VCV000528911.10), dbSNP rs767822615, ClinGen allele CA4947746.